The following is an entry in ClinVar:

ClinVar aggregate classification (germline): Uncertain significance (1 of 4 stars; one submission).

Submission:

GeneDx
Classification: Uncertain significance. Last evaluated: 2025-02-03. Review status: criteria provided, single submitter. Criteria: GeneDx Variant Classification Process June 2021. Collection method: clinical testing. Allele origin: germline. Affected: yes.
Comment: Not observed at significant frequency in large population cohorts (gnomAD); In silico analysis indicates that this missense variant does not alter protein structure/function; Has not been previously published as pathogenic or benign to our knowledge

NM_015030.2(FRYL):c.568T>A (p.Ser190Thr)

Gene: FRYL (FRY like transcription coactivator; minus strand). Cytogenetic location: 4p11.
Variant type: single nucleotide variant.
Coding change: c.568T>A on transcript NM_015030.2 (MANE Select); coding-DNA position 568, T replaced by A.
Protein change: p.Ser190Thr; replaces serine 190 with threonine.
Molecular consequence: missense variant.
Genome position (GRCh38, 1-based): chr4:48,608,991, A>T on the plus strand (T>A on the coding strand, the complement: FRYL is on the minus strand). VCF-style: chr4-48608991-A-T. GRCh37 (hg19) VCF-style: chr4-48611008-A-T.
Other names: short protein forms S190T.
Identifiers: ClinVar variation 4072813 (VCV004072813.1).